The following is an entry in ClinVar:

ClinVar aggregate classification (germline): Uncertain significance (1 of 4 stars; one submission).

Conditions:
Hereditary cancer-predisposing syndrome. Also called: Tumor predisposition; Neoplastic Syndromes, Hereditary; Hereditary neoplastic syndrome; Hereditary Cancer Syndrome. Identifiers: Orphanet 140162, MedGen C0027672, MeSH D009386, MONDO:0015356.

Submission:

Ambry Genetics
Classification: Uncertain significance for Hereditary cancer-predisposing syndrome. Last evaluated: 2025-08-27. Review status: criteria provided, single submitter. Criteria: Ambry Variant Classification Scheme 2023. Collection method: clinical testing. Allele origin: germline.
Comment: The p.A205S variant (also known as c.613G>T), located in coding exon 8 of the MUTYH gene, results from a G to T substitution at nucleotide position 613. The alanine at codon 205 is replaced by serine, an amino acid with similar properties. This amino acid position is conserved. In addition, the in silico prediction for this alteration is inconclusive. Based on the available evidence, the clinical significance of this variant remains unclear.

NM_001048174.2(MUTYH):c.529G>T (p.Ala177Ser)

Gene: MUTYH (mutY DNA glycosylase; minus strand). Cytogenetic location: 1p34.1.
Variant type: single nucleotide variant.
Coding change: c.529G>T on transcript NM_001048174.2 (MANE Select); coding-DNA position 529, G replaced by T.
Protein change: p.Ala177Ser; replaces alanine 177 with serine.
Molecular consequence: missense variant. On other transcripts: non-coding transcript variant (7).
Genome position (GRCh38, 1-based): chr1:45,332,651, C>A on the plus strand (G>T on the coding strand, the complement: MUTYH is on the minus strand). VCF-style: chr1-45332651-C-A. GRCh37 (hg19) VCF-style: chr1-45798323-C-A.
Other names: c.613G>T, p.Ala205Ser (NM_001128425.2); c.574G>T, p.Ala192Ser (NM_001293190.2); c.562G>T, p.Ala188Ser (NM_001293191.2, NM_001407069.1, NM_001407077.1); c.253G>T, p.Ala85Ser (NM_001293192.2, NM_001293196.2, NM_001407091.1); c.529G>T, p.Ala177Ser (NM_001293195.2, NM_001407081.1, NM_001407088.1 and 6 more transcripts); c.184G>T, p.Ala62Ser (NM_001350650.2, NM_001350651.2, NM_001407082.1); c.571G>T, p.Ala191Ser (NM_001407083.1, NM_001407085.1); c.532G>T, p.Ala178Ser (NM_001407086.1, NM_001048172.2, NM_001407071.1 and 1 more transcripts); and 5 more; short protein forms A163S, A191S, A62S, A164S, A178S, A184S, A192S, A202S.
Identifiers: ClinVar variation 4112838 (VCV004112838.1).